The following is an entry in ClinVar:

ClinVar aggregate classification (germline): Conflicting classifications of pathogenicity. Review status: criteria provided, conflicting classifications (1 of 4 stars). 7 submissions from 7 submitters: Uncertain significance (1); Benign (1); Likely benign (4). 1 of the submissions does not count toward it. Last evaluated 2026-01-22.

Conditions:
Cerebroretinal microangiopathy with calcifications and cysts 1 (CRMCC1). Identifiers: Orphanet 313838, MedGen C4552029, MONDO:0024564, OMIM 612199.
CTC1-related disorder. Also called: CTC1-related condition.
Dyskeratosis congenita. Identifiers: Orphanet 1775, MedGen C0265965, MONDO:0015780.

Allele frequency attached by ClinVar (database versions not stated): ESP Exome Variant Server 0.00008; TOPMed 0.00015; gnomAD exomes 0.00078 and 0.00133; gnomAD 0.00105 and 0.00114; ExAC 0.00118; 1000 Genomes Project 30x 0.00141; 1000 Genomes Project 0.00180.
gnomAD v4.1: 1,315 of 1,613,566 alleles (0.081%); highest among the groups gnomAD compares: East Asian, 1%; 5 homozygotes.

Submissions (7):

Labcorp Genetics (formerly Invitae), Labcorp
Classification: Benign for Dyskeratosis congenita. Last evaluated: 2026-01-22. Review status: criteria provided, single submitter. Criteria: Invitae Variant Classification Sherloc (09022015). Collection method: clinical testing. Allele origin: germline.

ARUP Laboratories, Molecular Genetics and Genomics, ARUP Laboratories
Classification: Likely benign for Cerebroretinal microangiopathy with calcifications and cysts 1. Last evaluated: 2025-04-01. Review status: criteria provided, single submitter. Criteria: ARUP Molecular Germline Variant Investigation Process 2024. Collection method: clinical testing. Allele origin: germline.

CeGaT Center for Human Genetics Tuebingen
Classification: Likely benign. Last evaluated: 2024-12-01. Review status: criteria provided, single submitter. Criteria: CeGaT Center For Human Genetics Tuebingen Variant Classification Criteria Version 2. Collection method: clinical testing. Allele origin: germline. Affected: yes. Observed: 2 variant alleles.
Comment: CTC1: BP4, BP7, BS1

Blueprint Genetics
Classification: Likely benign. Last evaluated: 2024-11-22. Review status: criteria provided, single submitter. Criteria: ACMG Guidelines, 2015. Collection method: clinical testing. Allele origin: germline.

Genome-Nilou Lab
Classification: Likely benign for Cerebroretinal microangiopathy with calcifications and cysts 1. Last evaluated: 2021-07-15. Review status: criteria provided, single submitter. Criteria: ACMG Guidelines, 2015. Collection method: clinical testing. Allele origin: germline. Affected: no.

Illumina Laboratory Services, Illumina
Classification: Uncertain significance for Dyskeratosis congenita. Last evaluated: 2018-01-12. Review status: criteria provided, single submitter. Criteria: ICSL Variant Classification Criteria 13 December 2019. Collection method: clinical testing. Allele origin: germline.

PreventionGenetics, part of Exact Sciences
Classification: Benign for CTC1-related condition. Last evaluated: 2019-09-03. Review status: no assertion criteria provided. Collection method: clinical testing. Allele origin: germline. Not counted in ClinVar's aggregate classification.
Comment: This variant is classified as benign based on ACMG/AMP sequence variant interpretation guidelines (Richards et al. 2015 PMID: 25741868, with internal and published modifications).

NM_025099.6(CTC1):c.663T>C (p.Gly221=)

Gene: CTC1 (CST telomere replication complex component 1; minus strand). Cytogenetic location: 17p13.1.
Variant type: single nucleotide variant.
Coding change: c.663T>C on transcript NM_025099.6 (MANE Select); coding-DNA position 663, T replaced by C.
Protein change: p.Gly221=; no amino-acid change (glycine 221 retained).
Molecular consequence: synonymous variant.
Genome position (GRCh38, 1-based): chr17:8,237,504, A>G on the plus strand (T>C on the coding strand, the complement: CTC1 is on the minus strand). VCF-style: chr17-8237504-A-G. GRCh37 (hg19) VCF-style: chr17-8140822-A-G.
Other names: c.663T>C, p.Gly221= (LRG_1124t1).
Identifiers: ClinVar variation 326083 (VCV000326083.43), dbSNP rs138725914, ClinGen allele CA8372572.